The following is an entry in ClinVar:

ClinVar aggregate classification (germline): Uncertain significance (1 of 4 stars; one submission).

Conditions:
DOCK2 deficiency. Also called: Immunodeficiency 40. Identifiers: Orphanet 447737, MedGen C4225328, MONDO:0014637, OMIM 616433.

Allele frequency attached by ClinVar (database versions not stated): TOPMed 0.00001; gnomAD 0.00002 and 0.00003; gnomAD exomes 0.00002 and 0.00004; ExAC 0.00005; 1000 Genomes Project 0.00020; 1000 Genomes Project 30x 0.00031.
gnomAD v4.1: 28 of 1,614,114 alleles (0.0017%); highest among the groups gnomAD compares: East Asian, 0.0045%; no homozygotes.

Submission:

Labcorp Genetics (formerly Invitae), Labcorp
Classification: Uncertain significance for DOCK2 deficiency. Last evaluated: 2023-10-13. Review status: criteria provided, single submitter. Criteria: Invitae Variant Classification Sherloc (09022015). Collection method: clinical testing. Allele origin: germline.
Comment: This sequence change replaces threonine, which is neutral and polar, with methionine, which is neutral and non-polar, at codon 1504 of the DOCK2 protein (p.Thr1504Met). This variant is present in population databases (rs201320169, gnomAD 0.006%). This variant has not been reported in the literature in individuals affected with DOCK2-related conditions. ClinVar contains an entry for this variant (Variation ID: 1416293). An algorithm developed to predict the effect of missense changes on protein structure and function (PolyPhen-2) suggests that this variant is likely to be tolerated. In summary, the available evidence is currently insufficient to determine the role of this variant in disease. Therefore, it has been classified as a Variant of Uncertain Significance.

NM_004946.3(DOCK2):c.4511C>T (p.Thr1504Met)

Gene: DOCK2 (dedicator of cytokinesis 2; plus strand). Cytogenetic location: 5q35.1.
Variant type: single nucleotide variant.
Coding change: c.4511C>T on transcript NM_004946.3 (MANE Select); coding-DNA position 4511, C replaced by T.
Protein change: p.Thr1504Met; replaces threonine 1504 with methionine.
Molecular consequence: missense variant. On other transcripts: non-coding transcript variant (1).
Genome position (GRCh38, 1-based): chr5:170,067,553, C>T. VCF-style: chr5-170067553-C-T. GRCh37 (hg19) VCF-style: chr5-169494557-C-T.
Other names: short protein forms T1504M.
Identifiers: ClinVar variation 1416293 (VCV001416293.8), dbSNP rs201320169, ClinGen allele CA3554579.
Genomic context (GRCh38, chr5:170,067,553, plus strand): 5'-GATCTCATTTTCAACAGACCACAATTAGTCCTCTGGAGAATGCCATAGAAACCATGTCCA[C>T]GGCCAATGAGAAGATCCTGATGATGATAAACCAGTACCAGAGTGATGAGACCCTCCCCAT-3'
Protein context (NP_004937.1, residues 1494-1514): PLENAIETMS[Thr1504Met]ANEKILMMIN